The following is an entry in ClinVar:

ClinVar aggregate classification (germline): Uncertain significance (1 of 4 stars; one submission).

Submission:

GeneDx
Classification: Uncertain significance. Last evaluated: 2019-11-04. Review status: criteria provided, single submitter. Criteria: GeneDx Variant Classification Process June 2021. Collection method: clinical testing. Allele origin: germline. Affected: yes.
Comment: Not observed in large population cohorts (Lek et al., 2016); In silico analysis, which includes protein predictors and evolutionary conservation, supports a deleterious effect; Has not been previously published as pathogenic or benign to our knowledge

NM_014927.5(CNKSR2):c.2345A>G (p.His782Arg)

Gene: CNKSR2 (connector enhancer of kinase suppressor of Ras 2; plus strand). Cytogenetic location: Xp22.12.
Variant type: single nucleotide variant.
Coding change: c.2345A>G on transcript NM_014927.5 (MANE Select); coding-DNA position 2345, A replaced by G.
Protein change: p.His782Arg; replaces histidine 782 with arginine.
Molecular consequence: missense variant.
Genome position (GRCh38, 1-based): chrX:21,609,270, A>G. VCF-style: chrX-21609270-A-G. GRCh37 (hg19) VCF-style: chrX-21627388-A-G.
Other names: c.2255A>G, p.His752Arg (NM_001168647.3, NM_001330773.2); c.2345A>G, p.His782Arg (NM_001168648.3); c.2198A>G, p.His733Arg (NM_001168649.3, NM_001330770.2); c.2108A>G, p.His703Arg (NM_001330771.2, NM_001330772.2); short protein forms H703R, H733R, H752R, H782R.
Identifiers: ClinVar variation 1309346 (VCV001309346.2), dbSNP rs2147283373, ClinGen allele CA412558646.